The following is an entry in ClinVar:

NM_031935.3(HMCN1):c.11461A>T (p.Thr3821Ser)

Gene: HMCN1 (hemicentin 1; plus strand). Cytogenetic location: 1q31.1.
Variant type: single nucleotide variant.
Coding change: c.11461A>T on transcript NM_031935.3 (MANE Select); coding-DNA position 11461, A replaced by T.
Protein change: p.Thr3821Ser; replaces threonine 3821 with serine.
Molecular consequence: missense variant.
Genome position (GRCh38, 1-based): chr1:186,115,314, A>T. VCF-style: chr1-186115314-A-T. GRCh37 (hg19) VCF-style: chr1-186084446-A-T.
Other names: short protein forms T3821S.
Identifiers: ClinVar variation 1956949 (VCV001956949.5), dbSNP rs1558234658, ClinGen allele CA343943566.
Genomic context (GRCh38, chr1:186,115,314, plus strand): 5'-TTAGTTCCTCCATCTATTGCTCCGGGTCCTACCAACATGACTGTAATAGTAAATGTTCAA[A>T]CTACTCTGGCTTGTGAGGCTACTGGGATACCAAAACCATCAATCAATTGGAGAAAAAATG-3'
Protein context (NP_114141.2, residues 3811-3831): TNMTVIVNVQ[Thr3821Ser]TLACEATGIP

ClinVar aggregate classification (germline): Uncertain significance (1 of 4 stars; one submission).

Allele frequency attached by ClinVar (database versions not stated): gnomAD exomes below 0.00001.
gnomAD v4.1: 2 of 1,614,064 alleles (0.00012%); highest among the groups gnomAD compares: Admixed American, 0.0033%; no homozygotes.

Submission:

Labcorp Genetics (formerly Invitae), Labcorp
Classification: Uncertain significance. Last evaluated: 2022-07-23. Review status: criteria provided, single submitter. Criteria: Invitae Variant Classification Sherloc (09022015). Collection method: clinical testing. Allele origin: germline.
Comment: In summary, the available evidence is currently insufficient to determine the role of this variant in disease. Therefore, it has been classified as a Variant of Uncertain Significance. Algorithms developed to predict the effect of missense changes on protein structure and function are either unavailable or do not agree on the potential impact of this missense change (SIFT: "Tolerated"; PolyPhen-2: "Probably Damaging"; Align-GVGD: "Class C0"). This variant has not been reported in the literature in individuals affected with HMCN1-related conditions. This variant is not present in population databases (gnomAD no frequency). This sequence change replaces threonine, which is neutral and polar, with serine, which is neutral and polar, at codon 3821 of the HMCN1 protein (p.Thr3821Ser).